The following is an entry in ClinVar:

ClinVar aggregate classification (germline): Conflicting classifications of pathogenicity. Review status: criteria provided, conflicting classifications (1 of 4 stars). 2 submissions from 2 submitters: Uncertain significance (1); Likely benign (1). Last evaluated 2024-10-15.

Allele frequency attached by ClinVar (database versions not stated): ExAC 0.00001; gnomAD 0.00001; gnomAD exomes 0.00001; TOPMed 0.00001.
gnomAD v4.1: 13 of 1,614,196 alleles (0.00081%); highest among the groups gnomAD compares: East Asian, 0.0022%; no homozygotes.

Submissions (2):

Labcorp Genetics (formerly Invitae), Labcorp
Classification: Uncertain significance. Last evaluated: 2024-10-15. Review status: criteria provided, single submitter. Criteria: Invitae Variant Classification Sherloc (09022015). Collection method: clinical testing. Allele origin: germline.
Comment: This sequence change replaces alanine, which is neutral and non-polar, with threonine, which is neutral and polar, at codon 516 of the SLC1A4 protein (p.Ala516Thr). This variant is present in population databases (rs781570551, gnomAD 0.003%). This variant has not been reported in the literature in individuals affected with SLC1A4-related conditions. ClinVar contains an entry for this variant (Variation ID: 1956251). An algorithm developed to predict the effect of missense changes on protein structure and function outputs the following: PolyPhen-2: "Benign". The threonine amino acid residue is found in multiple mammalian species, which suggests that this missense change does not adversely affect protein function. In summary, the available evidence is currently insufficient to determine the role of this variant in disease. Therefore, it has been classified as a Variant of Uncertain Significance.

Blueprint Genetics
Classification: Likely benign. Last evaluated: 2024-04-04. Review status: criteria provided, single submitter. Criteria: ACMG Guidelines, 2015. Collection method: clinical testing. Allele origin: germline.

NM_003038.5(SLC1A4):c.1546G>A (p.Ala516Thr)

Gene: SLC1A4 (solute carrier family 1 member 4; plus strand). Cytogenetic location: 2p14.
Variant type: single nucleotide variant.
Coding change: c.1546G>A on transcript NM_003038.5 (MANE Select); coding-DNA position 1546, G replaced by A.
Protein change: p.Ala516Thr; replaces alanine 516 with threonine.
Molecular consequence: missense variant.
Genome position (GRCh38, 1-based): chr2:65,021,093, G>A. VCF-style: chr2-65021093-G-A. GRCh37 (hg19) VCF-style: chr2-65248227-G-A.
Other names: c.652G>A, p.Ala218Thr (NM_001193493.2); c.886G>A, p.Ala296Thr (NM_001348406.2, NM_001348407.2); short protein forms A516T, A218T, A296T.
Identifiers: ClinVar variation 1956251 (VCV001956251.5), dbSNP rs781570551, ClinGen allele CA1686202.